The following is an entry in ClinVar:

NM_001166108.2(PALLD):c.2944G>C (p.Gly982Arg)

Genes: CBR4 (carbonyl reductase 4; minus strand), PALLD (palladin, cytoskeletal associated protein; plus strand). Cytogenetic location: 4q32.3.
Variant type: single nucleotide variant.
Coding change: c.2944G>C on transcript NM_001166108.2 (MANE Select); coding-DNA position 2944, G replaced by C.
Protein change: p.Gly982Arg; replaces glycine 982 with arginine.
Molecular consequence: missense variant.
Genome position (GRCh38, 1-based): chr4:168,921,627, G>C. VCF-style: chr4-168921627-G-C. GRCh37 (hg19) VCF-style: chr4-169842778-G-C.
Other names: c.1747G>C, p.Gly583Arg (NM_001166109.2); c.1432G>C, p.Gly478Arg (NM_001166110.2); c.772G>C, p.Gly258Arg (NM_001367567.1, NM_001367569.1); c.823G>C, p.Gly275Arg (NM_001367568.1, NM_001367570.1); c.2893G>C, p.Gly965Arg (NM_016081.4); c.2893G>C (NM_016081.3); short protein forms G275R, G583R, G258R, G965R, G982R, G478R.
Identifiers: ClinVar variation 1982305 (VCV001982305.6), dbSNP rs115988233, ClinGen allele CA3135995.

ClinVar aggregate classification (germline): Uncertain significance. Review status: criteria provided, multiple submitters, no conflicts (2 of 4 stars). 2 submissions from 2 submitters: Uncertain significance (2). Last evaluated 2023-08-17.

Conditions:
Pancreatic adenocarcinoma. Identifiers: MedGen C0281361, MONDO:0006047, HP:0006725.

Allele frequency attached by ClinVar (database versions not stated): ExAC 0.00001.
gnomAD v4.1: 1 of 1,610,616 alleles (0.000062%); highest among the groups gnomAD compares: African/African-American, 0.0014%; no homozygotes.

Submissions (2):

Labcorp Genetics (formerly Invitae), Labcorp
Classification: Uncertain significance for Pancreatic adenocarcinoma. Last evaluated: 2023-08-17. Review status: criteria provided, single submitter. Criteria: Invitae Variant Classification Sherloc (09022015). Collection method: clinical testing. Allele origin: germline.
Comment: In summary, the available evidence is currently insufficient to determine the role of this variant in disease. Therefore, it has been classified as a Variant of Uncertain Significance. An algorithm developed to predict the effect of missense changes on protein structure and function (PolyPhen-2) suggests that this variant is likely to be disruptive. ClinVar contains an entry for this variant (Variation ID: 1982305). This variant has not been reported in the literature in individuals affected with PALLD-related conditions. This variant is present in population databases (rs115988233, gnomAD 0.007%). This sequence change replaces glycine, which is neutral and non-polar, with arginine, which is basic and polar, at codon 478 of the PALLD protein (p.Gly478Arg).

Ambry Genetics
Classification: Uncertain significance. Last evaluated: 2023-04-22. Review status: criteria provided, single submitter. Criteria: Ambry Variant Classification Scheme 2023. Collection method: clinical testing. Allele origin: germline.
Comment: The p.G965R variant (also known as c.2893G>C), located in coding exon 16 of the PALLD gene, results from a G to C substitution at nucleotide position 2893. The glycine at codon 965 is replaced by arginine, an amino acid with dissimilar properties. This amino acid position is conserved. In addition, this alteration is predicted to be deleterious by in silico analysis. Since supporting evidence is limited at this time, the clinical significance of this alteration remains unclear.